The following is an entry in ClinVar:

NM_000824.5(GLRB):c.692T>C (p.Phe231Ser)

Gene: GLRB (glycine receptor beta; plus strand). Cytogenetic location: 4q32.1.
Variant type: single nucleotide variant.
Coding change: c.692T>C on transcript NM_000824.5 (MANE Select); coding-DNA position 692, T replaced by C.
Protein change: p.Phe231Ser; replaces phenylalanine 231 with serine.
Molecular consequence: missense variant.
Genome position (GRCh38, 1-based): chr4:157,138,890, T>C. VCF-style: chr4-157138890-T-C. GRCh37 (hg19) VCF-style: chr4-158060042-T-C.
Other names: c.692T>C, p.Phe231Ser (NM_001166060.2, NM_001166061.2); short protein forms F231S.
Identifiers: ClinVar variation 347920 (VCV000347920.9), dbSNP rs763516130, ClinGen allele CA3119841.
Genomic context (GRCh38, chr4:157,138,890, plus strand): 5'-TACGATTTATCTGGCAGTCAGGAGATCCTGTGCAATTAGAAAAAATTGCCTTGCCTCAAT[T>C]TGATATCAAAAAGGAAGATATTGAATATGGTAACTGTACAAAATACTATAAAGGCACGGG-3'
Protein context (NP_000815.1, residues 221-241): VQLEKIALPQ[Phe231Ser]DIKKEDIEYG

ClinVar aggregate classification (germline): Uncertain significance. Review status: criteria provided, multiple submitters, no conflicts (2 of 4 stars). 2 submissions from 2 submitters: Uncertain significance (2). Last evaluated 2022-06-21.

Conditions:
Hyperekplexia 2 (HKPX2). Identifiers: Orphanet 3197, MedGen C3553291, MONDO:0013828, OMIM 614619.

Allele frequency attached by ClinVar (database versions not stated): ExAC 0.00001; gnomAD exomes 0.00001.
gnomAD v4.1: 12 of 1,503,810 alleles (0.0008%); highest among the groups gnomAD compares: Non-Finnish European, 0.001%; no homozygotes.

Submissions (2):

Labcorp Genetics (formerly Invitae), Labcorp
Classification: Uncertain significance for Hyperekplexia 2. Last evaluated: 2022-06-21. Review status: criteria provided, single submitter. Criteria: Invitae Variant Classification Sherloc (09022015). Collection method: clinical testing. Allele origin: germline.
Comment: This sequence change replaces phenylalanine, which is neutral and non-polar, with serine, which is neutral and polar, at codon 231 of the GLRB protein (p.Phe231Ser). This variant is present in population databases (rs763516130, gnomAD 0.007%). This variant has not been reported in the literature in individuals affected with GLRB-related conditions. ClinVar contains an entry for this variant (Variation ID: 347920). Advanced modeling of protein sequence and biophysical properties (such as structural, functional, and spatial information, amino acid conservation, physicochemical variation, residue mobility, and thermodynamic stability) performed at Invitae indicates that this missense variant is expected to disrupt GLRB protein function. In summary, the available evidence is currently insufficient to determine the role of this variant in disease. Therefore, it has been classified as a Variant of Uncertain Significance.

Illumina Laboratory Services, Illumina
Classification: Uncertain significance for Hyperekplexia 2. Last evaluated: 2018-01-13. Review status: criteria provided, single submitter. Criteria: ICSL Variant Classification Criteria 13 December 2019. Collection method: clinical testing. Allele origin: germline.